The following is an entry in ClinVar:

NM_000218.3(KCNQ1):c.760G>A (p.Val254Met)

Gene: KCNQ1 (potassium voltage-gated channel subfamily Q member 1; plus strand). Cytogenetic location: 11p15.5.
Variant type: single nucleotide variant.
Coding change: c.760G>A on transcript NM_000218.3 (MANE Select); coding-DNA position 760, G replaced by A.
Protein change: p.Val254Met; replaces valine 254 with methionine.
Molecular consequence: missense variant.
Genome position (GRCh38, 1-based): chr11:2,572,089, G>A. VCF-style: chr11-2572089-G-A. GRCh37 (hg19) VCF-style: chr11-2593319-G-A.
Other names: p.V254M:GTG>ATG; NM_000218.3(KCNQ1):c.760G>A; c.760G>A (LRG_287t1); c.760G>A, p.Val254Met (NM_001406836.1); c.490G>A, p.Val164Met (NM_001406837.1); c.379G>A, p.Val127Met (NM_181798.2); short protein forms V254M, V127M, V164M.
Identifiers: ClinVar variation 3118 (VCV000003118.27), dbSNP rs120074179, ClinGen allele CA008122.

ClinVar aggregate classification (germline): Pathogenic. Review status: reviewed by expert panel (3 of 4 stars). 12 submissions from 12 submitters: Pathogenic (1). 11 of the submissions do not count toward it. Last evaluated 2025-07-01.

Conditions:
KCNQ1-related disorder. Also called: KCNQ1-related disorders; KCNQ1-related condition. Identifiers: MedGen CN239322.
Cardiovascular phenotype. Identifiers: MedGen CN230736.
Jervell and Lange-Nielsen syndrome (JLNS). Also called: Jervell-Lange Nielsen syndrome. Identifiers: Orphanet 90647, MedGen C0022387, MONDO:0002441.
Atrial fibrillation, familial, 3 (ATFB3). Identifiers: MedGen C1837014, MONDO:0011857, OMIM 607554.
Long QT syndrome 1 (LQT1). Identifiers: Orphanet 101016, Orphanet 768, MedGen C4551647, MONDO:0100316, OMIM 192500, MONDO:0008646.
Short QT syndrome type 2. Identifiers: Orphanet 51083, MedGen C1865019, MONDO:0012313, OMIM 609621.
Familial long QT syndrome (RWS). Also called: Romano-Ward syndrome; VENTRICULAR FIBRILLATION WITH PROLONGED QT INTERVAL; Congenital long QT syndrome. Identifiers: Orphanet 768, MedGen C1141890, MONDO:0019171.
Long QT syndrome (LQTS). Identifiers: MedGen C0023976, MeSH D008133, MONDO:0002442. Disease mechanism: loss of function. Inheritance: Various modes of inheritance.

Submissions 1 to 7 of 12:

ClinGen Potassium Channel Arrhythmia Variant Curation Expert Panel, ClinGen
Classification: Pathogenic for Long QT syndrome 1. Last evaluated: 2025-07-01. Review status: reviewed by expert panel. Criteria: ClinGen KChannel ACMG Specifications KCNQ1 V1.0.0 2. Collection method: curation. Allele origin: germline. Inheritance: Autosomal dominant inheritance.
Comment: NM_000218.3(KCNQ1):c.760G>A (p.Val254Met)‌ is a missense variant in KCNQ1 predicted to replace valine with methionine at amino acid 254. This variant is absent from gnomAD v4.1.0 (PM2_Supporting). This variant has been reported in affected probands exhibiting QTc prolongation above 480 milliseconds and an exercise-associated event, which together are highly specific for long QT syndrome 1 (PP4, PMID: 29439887). This variant has been reported in at least 4 additional probands affected with long QT syndrome 1 (PS4_Moderate; PMID: 29439887). The variant segregates with long QT syndrome through 10 affected family members of the 5 probands confirmed to be similarly affected by exhibiting QTc prolongation above 480 milliseconds and/or syncope and/or Schwartz score above 3.5 (PP1_Strong, PMID: 29439887). An additional family has been reported but has not been described in sufficient detail to be considered for family segregation (PMID: 8528244). The computational predictor REVEL gives a score of 0.918, which is above the ClinGen Potassium Channel Arrhythmia VCEP PP3 threshold of >0.75 and predicts a damaging effect on KCNQ1 function (PP3). The variant has been shown to disrupt KCNQ1 function in two required experimental assays, both of them manual patch-clamp studies reporting a dominant negative electrophysiological defect (PS3_Supporting; PMID: 10376919, PMID: 14756674). In summary, this variant meets the criterion to be classified as pathogenic for long QT syndrome 1, as specified by the ClinGen Potassium Channel Arrhythmia VCEP; PS3_Supporting, PS4_Moderate PM2_Supporting, PP1_Strong, PP3, PP4. (VCEP specifications version 1.0.0; date of approval 03/04/2025).

Ambry Genetics
Classification: Pathogenic for Cardiovascular phenotype. Last evaluated: 2025-11-17. Review status: criteria provided, single submitter. Criteria: Ambry Variant Classification Scheme 2023. Collection method: clinical testing. Allele origin: germline. Not counted in ClinVar's aggregate classification.
Comment: The p.V254M pathogenic mutation (also known as c.760G>A), located in coding exon 5 of the KCNQ1 gene, results from a G to A substitution at nucleotide position 760. The valine at codon 254 is replaced by methionine, an amino acid with highly similar properties. This variant was identified in one or more individuals with features consistent with long QT syndrome and segregated with disease in at least one family (Wang Q et al. Nat Genet. 1996;12(1):17-23; Yagi N et al. J Cardiol, 2018 Jul;72:56-65). In an assay testing KCNQ1 function, this variant showed a functionally abnormal result (Wang Z et al. J Cardiovasc Electrophysiol. 1999;10(6):817-26). This amino acid position is highly conserved in available vertebrate species. In addition, this alteration is predicted to be deleterious by in silico analysis. This variant is considered to be rare based on population cohorts in the Genome Aggregation Database (gnomAD). Based on the supporting evidence, this variant is interpreted as a disease-causing mutation.

Labcorp Genetics (formerly Invitae), Labcorp
Classification: Pathogenic for Long QT syndrome. Last evaluated: 2025-09-27. Review status: criteria provided, single submitter. Criteria: Invitae Variant Classification Sherloc (09022015). Collection method: clinical testing. Allele origin: germline. Not counted in ClinVar's aggregate classification.
Comment: This sequence change replaces valine, which is neutral and non-polar, with methionine, which is neutral and non-polar, at codon 254 of the KCNQ1 protein (p.Val254Met). This variant is not present in population databases (gnomAD no frequency). This missense change has been observed in individuals with long QT syndrome (PMID: 8528244, 9386136, 10973849, 12820704, 15234419, 15466642, 15840476, 17470695, 19716085). It has also been observed to segregate with disease in related individuals. This variant is also known as p.Val125Met. ClinVar contains an entry for this variant (Variation ID: 3118). Invitae Evidence Modeling of protein sequence and biophysical properties (such as structural, functional, and spatial information, amino acid conservation, physicochemical variation, residue mobility, and thermodynamic stability) indicates that this missense variant is expected to disrupt KCNQ1 protein function with a positive predictive value of 95%. Experimental studies have shown that this missense change affects KCNQ1 function (PMID: 10376919, 22456477). For these reasons, this variant has been classified as Pathogenic.

3billion
Classification: Likely pathogenic for Long QT syndrome 1. Last evaluated: 2025-09-22. Review status: criteria provided, single submitter. Criteria: ACMG Guidelines, 2015. Collection method: clinical testing. Allele origin: germline. Affected: yes. Not counted in ClinVar's aggregate classification.
Comment: The variant is not observed in the gnomAD v4.1.0 dataset. Predicted Consequence/Location: Missense variant In silico tool predictions suggest damaging effect of the variant on gene or gene product [REVEL: 0.92 (>=0.6, sensitivity 0.68 and specificity 0.92); 3Cnet: 0.98 (> 0.75, sensitivity 0.96 and precision 0.92)]. The same nucleotide change resulting in the same amino acid change has been previously reported as pathogenic/likely pathogenic with strong evidence (ClinVar ID: VCV000003118 /PMID: 8528244 /3billion dataset). A different missense change at the same codon (p.Val254Leu) has been reported to be associated with KCNQ1-related disorder (ClinVar ID: VCV000053096 /PMID: 16414944, 23158531). Therefore, this variant is classified as Likely pathogenic according to the recommendation of ACMG/AMP guideline.

Blueprint Genetics
Classification: Pathogenic for KCNQ1-related disorders. Last evaluated: 2024-04-10. Review status: criteria provided, single submitter. Criteria: ACMG Guidelines, 2015. Collection method: clinical testing. Allele origin: germline. Affected: yes. Observed: 5 variant alleles. Not counted in ClinVar's aggregate classification.

GeneDx
Classification: Pathogenic. Last evaluated: 2023-08-28. Review status: criteria provided, single submitter. Criteria: GeneDx Variant Classification Process June 2021. Collection method: clinical testing. Allele origin: germline. Affected: yes. Not counted in ClinVar's aggregate classification.
Comment: Not observed at significant frequency in large population cohorts (gnomAD); Published functional studies suggest a dominant negative effect on channel function (Wang et al., 1999; Barsheshet et al., 2012); In silico analysis supports that this missense variant has a deleterious effect on protein structure/function; This variant is associated with the following publications: (PMID: 31737537, 22949429, 15466642, 34505893, 32581825, 14756674, 8528244, 26743238, 25854863, 9386136, 12820704, 29439887, 28012188, 22456477, 28988457, 32936022, 32015334, 10376919, 37124559, 33504163)

Mayo Clinic Laboratories, Mayo Clinic
Classification: Pathogenic. Last evaluated: 2022-12-06. Review status: criteria provided, single submitter. Criteria: ACMG Guidelines, 2015. Collection method: clinical testing. Allele origin: germline. Observed: 1 variant allele. Not counted in ClinVar's aggregate classification.
Comment: PP1_very_strong, PP3, PM1, PM2_supporting, PS4